The following is an entry in ClinVar:

NM_003784.4(SERPINB7):c.936G>T (p.Ser312=)

Gene: SERPINB7 (serpin family B member 7; plus strand). Cytogenetic location: 18q21.33.
Variant type: single nucleotide variant.
Coding change: c.936G>T on transcript NM_003784.4 (MANE Select); coding-DNA position 936, G replaced by T.
Protein change: p.Ser312=; no amino-acid change (serine 312 retained).
Molecular consequence: synonymous variant.
Genome position (GRCh38, 1-based): chr18:63,804,428, G>T. VCF-style: chr18-63804428-G-T. GRCh37 (hg19) VCF-style: chr18-61471662-G-T.
Other names: c.936G>T, p.Ser312= (NM_001040147.3, NM_001261830.2); c.885G>T, p.Ser295= (NM_001261831.2); c.936G>T (NM_003784.3).
Identifiers: ClinVar variation 1599095 (VCV001599095.11), dbSNP rs34505921, ClinGen allele CA8989567.
Genomic context (GRCh38, chr18:63,804,428, plus strand): 5'-AGCCCTAGGGCTGAAAGATATCTTTGATGAATCCAAAGCAGATCTCTCTGGGATTGCTTC[G>T]GGGGGTCGTCTGTATATATCAAGGATGATGCACAAATCTTACATAGAGGTCACTGAGGAG-3'
Protein context (NP_003775.1, residues 302-322): ESKADLSGIA[Ser312=]GGRLYISRMM

ClinVar aggregate classification (germline): Benign. Review status: criteria provided, multiple submitters, no conflicts (2 of 4 stars). 3 submissions from 3 submitters: Benign (2). 1 of the submissions does not count toward it. Last evaluated 2026-01-23.

Conditions:
SERPINB7-related disorder. Also called: SERPINB7-related condition.

Allele frequency attached by ClinVar (database versions not stated): ESP Exome Variant Server 0.03930; TOPMed 0.04177; 1000 Genomes Project 30x 0.05059; 1000 Genomes Project 0.05072.
gnomAD v4.1: 46,487 of 1,613,560 alleles (2.9%); highest among the groups gnomAD compares: African/African-American, 7.7%; 917 homozygotes.

Submissions (3):

Labcorp Genetics (formerly Invitae), Labcorp
Classification: Benign. Last evaluated: 2026-01-23. Review status: criteria provided, single submitter. Criteria: Invitae Variant Classification Sherloc (09022015). Collection method: clinical testing. Allele origin: germline.

Breakthrough Genomics
Classification: Benign. Review status: criteria provided, single submitter. Criteria: ACMG Guidelines, 2015. Collection method: not provided. Allele origin: germline. Inheritance: Autosomal recessive inheritance. Affected: yes.

PreventionGenetics, part of Exact Sciences
Classification: Benign for SERPINB7-related condition. Last evaluated: 2019-11-04. Review status: no assertion criteria provided. Collection method: clinical testing. Allele origin: germline. Not counted in ClinVar's aggregate classification.
Comment: This variant is classified as benign based on ACMG/AMP sequence variant interpretation guidelines (Richards et al. 2015 PMID: 25741868, with internal and published modifications).